The following is an entry in ClinVar:

ClinVar aggregate classification (germline): Uncertain significance (1 of 4 stars; one submission).

Submission:

GeneDx
Classification: Uncertain significance. Last evaluated: 2024-07-19. Review status: criteria provided, single submitter. Criteria: GeneDx Variant Classification Process June 2021. Collection method: clinical testing. Allele origin: germline. Affected: yes.
Comment: Published functional studies demonstrate a damaging effect with a reduction in total protein (PMID: 36808708); In silico analysis indicates that this missense variant does not alter protein structure/function; This variant is associated with the following publications: (PMID: 36808708)

NM_001371623.1(TCOF1):c.1472C>G (p.Ala491Gly)

Gene: TCOF1 (treacle ribosome biogenesis factor 1; plus strand). Cytogenetic location: 5q32.
Variant type: single nucleotide variant.
Coding change: c.1472C>G on transcript NM_001371623.1 (MANE Select); coding-DNA position 1472, C replaced by G.
Protein change: p.Ala491Gly; replaces alanine 491 with glycine.
Molecular consequence: missense variant.
Genome position (GRCh38, 1-based): chr5:150,375,147, C>G. VCF-style: chr5-150375147-C-G. GRCh37 (hg19) VCF-style: chr5-149754710-C-G.
Other names: c.1241C>G, p.Ala414Gly (NM_000356.4, NM_001135245.2); c.1472C>G, p.Ala491Gly (NM_001008657.3, NM_001135243.2, NM_001135244.2 and 1 more transcripts); short protein forms A414G, A491G.
Identifiers: ClinVar variation 3573568 (VCV003573568.1).
Genomic context (GRCh38, chr5:150,375,147, plus strand): 5'-AGGAGGAGGACTCAAGAAGCAGCAGCGAGGAGTCAGACAGTGACAGAGAGGCACTGGCAG[C>G]CATGAATGCAGCTCAGGTGAGGCTGGAAGCCGCCCTGCATGGCCTGTGCCCTGCCTCAAA-3'
Protein context (NP_001358552.1, residues 481-501): ESDSDREALA[Ala491Gly]MNAAQVKPLG